The following is an entry in ClinVar:

NM_017841.4(SDHAF2):c.97C>T (p.Arg33Cys)

Gene: SDHAF2 (succinate dehydrogenase complex assembly factor 2; plus strand). Cytogenetic location: 11q12.2.
Variant type: single nucleotide variant.
Coding change: c.97C>T on transcript NM_017841.4 (MANE Select); coding-DNA position 97, C replaced by T.
Protein change: p.Arg33Cys; replaces arginine 33 with cysteine.
Molecular consequence: missense variant.
Genome position (GRCh38, 1-based): chr11:61,437,685, C>T. VCF-style: chr11-61437685-C-T. GRCh37 (hg19) VCF-style: chr11-61205157-C-T.
Other names: short protein forms R33C.
Identifiers: ClinVar variation 41837 (VCV000041837.45), dbSNP rs144867876, ClinGen allele CA017340.

ClinVar aggregate classification (germline): Benign/Likely benign. Review status: criteria provided, multiple submitters, no conflicts (2 of 4 stars). 11 submissions from 11 submitters: Benign (3); Likely benign (7). 1 of the submissions does not count toward it. Last evaluated 2026-08-04.

Conditions:
Hereditary cancer-predisposing syndrome. Also called: Hereditary neoplastic syndrome; Neoplastic Syndromes, Hereditary; Hereditary Cancer Syndrome; Tumor predisposition. Identifiers: Orphanet 140162, MedGen C0027672, MeSH D009386, MONDO:0015356.
Hereditary pheochromocytoma and paraganglioma. Also called: Hereditary pheochromocytoma-paraganglioma; Hereditary Paraganglioma-Pheochromocytoma Syndromes; Hereditary paragangliomas and pheochromocytomas. Identifiers: Orphanet 29072, MedGen C4274332, MONDO:0017366.
Pheochromocytoma/paraganglioma syndrome 2. Also called: SDHAF2-Related Hereditary Paraganglioma-Pheochromocytoma Syndrome; Paragangliomas 2; SDHAF2-Related Hereditary Paraganglioma-Pheochromocytoma Syndrome (Paragangliomas 2); GLOMUS TUMORS, FAMILIAL, 2. Identifiers: Orphanet 29072, MedGen C1866552, MONDO:0011121, OMIM 601650.

Allele frequency attached by ClinVar (database versions not stated): gnomAD 0.00034 and 0.00028; 1000 Genomes Project 0.00160; TOPMed 0.00028; ExAC 0.00052; 1000 Genomes Project 30x 0.00125; gnomAD exomes 0.00014 and 0.00052; ESP Exome Variant Server 0.00038.
gnomAD v4.1: 257 of 1,614,212 alleles (0.016%); highest among the groups gnomAD compares: East Asian, 0.32%; 1 homozygote.

Submissions (11):

Myriad Genetics, Inc.
Classification: Likely benign for Pheochromocytoma/paraganglioma syndrome 2. Last evaluated: 2026-08-04. Review status: criteria provided, single submitter. Criteria: Myriad Autosomal Dominant, Autosomal Recessive and X-Linked Classification Criteria (2023). Collection method: clinical testing. Allele origin: unknown.
Comment: This variant is considered likely benign. This variant has been observed at a population frequency that is significantly greater than expected given the associated disease prevalence and penetrance.

CeGaT Center for Human Genetics Tuebingen
Classification: Likely benign. Last evaluated: 2026-06-01. Review status: criteria provided, single submitter. Criteria: CeGaT Center For Human Genetics Tuebingen Variant Classification Criteria Version 2. Collection method: clinical testing. Allele origin: germline. Affected: yes. Observed: 3 variant alleles.
Comment: SDHAF2: BP4, BS1

Labcorp Genetics (formerly Invitae), Labcorp
Classification: Likely benign for Hereditary pheochromocytoma and paraganglioma. Last evaluated: 2026-02-03. Review status: criteria provided, single submitter. Criteria: Invitae Variant Classification Sherloc (09022015). Collection method: clinical testing. Allele origin: germline.

Blueprint Genetics
Classification: Likely benign. Last evaluated: 2024-11-26. Review status: criteria provided, single submitter. Criteria: ACMG Guidelines, 2015. Collection method: clinical testing. Allele origin: germline.

Color Diagnostics, LLC DBA Color Health
Classification: Benign for Hereditary pheochromocytoma and paraganglioma. Last evaluated: 2022-11-07. Review status: criteria provided, single submitter. Criteria: ACMG Guidelines, 2015. Collection method: clinical testing. Allele origin: germline.

Sema4
Classification: Benign for Hereditary cancer-predisposing syndrome. Last evaluated: 2020-12-31. Review status: criteria provided, single submitter. Criteria: Sema4 Curation Guidelines. Collection method: curation. Allele origin: germline.

Ambry Genetics
Classification: Likely benign for Hereditary cancer-predisposing syndrome. Last evaluated: 2018-12-26. Review status: criteria provided, single submitter. Criteria: Ambry Variant Classification Scheme 2023. Collection method: clinical testing. Allele origin: germline.

Illumina Laboratory Services, Illumina
Classification: Benign for Hereditary Paraganglioma-Pheochromocytoma Syndromes. Last evaluated: 2018-01-12. Review status: criteria provided, single submitter. Criteria: ICSL Variant Classification Criteria 13 December 2019. Collection method: clinical testing. Allele origin: germline.
Comment: This variant was observed in the ICSL laboratory as part of a predisposition screen in an ostensibly healthy population. It had not been previously curated by ICSL or reported in the Human Gene Mutation Database (HGMD: prior to June 1st, 2018), and was therefore a candidate for classification through an automated scoring system. Utilizing variant allele frequency, disease prevalence and penetrance estimates, and inheritance mode, an automated score was calculated to assess if this variant is too frequent to cause the disease. Based on the score and internal cut-off values, a variant classified as benign is not then subjected to further curation. The score for this variant resulted in a classification of benign for this disease.

Genetic Services Laboratory, University of Chicago
Classification: Likely benign. Last evaluated: 2017-04-02. Review status: criteria provided, single submitter. Criteria: ACMG Guidelines, 2015. Collection method: clinical testing. Allele origin: germline. Affected: no.

GeneDx
Classification: Likely benign. Last evaluated: 2016-10-17. Review status: criteria provided, single submitter. Criteria: GeneDx Variant Classification (06012015). Collection method: clinical testing. Allele origin: germline. Affected: yes.
Comment: This variant is considered likely benign or benign based on one or more of the following criteria: it is a conservative change, it occurs at a poorly conserved position in the protein, it is predicted to be benign by multiple in silico algorithms, and/or has population frequency not consistent with disease.

Biesecker Lab/Clinical Genomics Section, National Institutes of Health
Classification: Uncertain significance. Last evaluated: 2012-07-13. Review status: no assertion criteria provided. Collection method: research. Allele origin: germline. Affected: no. Observed: 1 variant allele. Study: ClinSeq. Not counted in ClinVar's aggregate classification.
ClinVar note: Converted during submission from variant of unknown significance to Uncertain significance.